The following is an entry in ClinVar:

ClinVar aggregate classification (germline): Likely pathogenic (1 of 4 stars; one submission).

Submission:

GeneDx
Classification: Likely pathogenic. Last evaluated: 2020-06-01. Review status: criteria provided, single submitter. Criteria: GeneDx Variant Classification Process June 2021. Collection method: clinical testing. Allele origin: germline. Affected: yes.
Comment: Frameshift variant predicted to result in protein truncation or nonsense mediated decay in a gene for which loss-of-function is a known mechanism of disease; Not observed in large population cohorts (Lek et al., 2016); Has not been previously published as pathogenic or benign to our knowledge

NM_001205019.2(GK):c.385del (p.Arg129fs)

Gene: GK (glycerol kinase; plus strand). Cytogenetic location: Xp21.2.
Variant type: Deletion.
Coding change: c.385del on transcript NM_001205019.2 (MANE Select); coding-DNA position 385, one base deleted (A; older notation c.385delA).
Protein change: p.Arg129fs; shifts the reading frame from arginine 129.
Molecular consequence: frameshift variant.
Genome position (GRCh38, 1-based): chrX:30,691,170, A deleted; the last of 4 consecutive A bases (chrX:30,691,167-30,691,170); deleting any one gives the same sequence. VCF-style (leftmost placement, unchanged base first): chrX-30691166-TA-T. GRCh37 (hg19) VCF-style: chrX-30709283-TA-T.
Other names: c.385delA (NM_000167.4); c.385del, p.Arg129fs (NM_000167.6, NM_001128127.3, NM_203391.4); short protein forms R129fs.
Identifiers: ClinVar variation 817092 (VCV000817092.3), dbSNP rs1601910946, ClinGen allele CA915950833.